The following is an entry in ClinVar:

ClinVar aggregate classification (germline): Likely benign (1 of 4 stars; one submission).

Submission:

CeGaT Center for Human Genetics Tuebingen
Classification: Likely benign. Last evaluated: 2025-04-01. Review status: criteria provided, single submitter. Criteria: CeGaT Center For Human Genetics Tuebingen Variant Classification Criteria Version 2. Collection method: clinical testing. Allele origin: germline. Affected: yes. Observed: 1 variant allele.
Comment: MUC4: BP4, BP7

NM_018406.7(MUC4):c.3021C>G (p.Thr1007=)

Gene: MUC4 (mucin 4, cell surface associated). Cytogenetic location: 3q29.
Variant type: single nucleotide variant.
Coding change: c.3021C>G on transcript NM_018406.7 (MANE Select); coding-DNA position 3021, C replaced by G.
Protein change: p.Thr1007=; no amino-acid change (threonine 1007 retained).
Molecular consequence: synonymous variant. On other transcripts: intron variant (2).
Genome position (GRCh38, 1-based): chr3:195,788,559, G>C on the plus strand (C>G on the coding strand, the complement: MUC4 is on the minus strand). VCF-style: chr3-195788559-G-C. GRCh37 (hg19) VCF-style: chr3-195515430-G-C.
Other names: c.83-14254C>G (NM_138297.5); c.83-10104C>G (NM_004532.6).
Identifiers: ClinVar variation 3898721 (VCV003898721.7).